The following is an entry in ClinVar:

ClinVar aggregate classification (germline): Uncertain significance (1 of 4 stars; one submission).

Conditions:
Pitt-Hopkins syndrome (PTHS). Also called: ENCEPHALOPATHY, SEVERE EPILEPTIC, WITH AUTONOMIC DYSFUNCTION; MENTAL RETARDATION, SYNDROMAL, WITH INTERMITTENT HYPERVENTILATION. Identifiers: Orphanet 2896, MedGen C1970431, MONDO:0012589, OMIM 610954.

Allele frequency attached by ClinVar (database versions not stated): gnomAD exomes below 0.00001.
gnomAD v4.1: 1 of 1,613,870 alleles (0.000062%); highest among the groups gnomAD compares: Non-Finnish European, 0.000085%; no homozygotes.

Submission:

Labcorp Genetics (formerly Invitae), Labcorp
Classification: Uncertain significance for Pitt-Hopkins syndrome. Last evaluated: 2022-06-10. Review status: criteria provided, single submitter. Criteria: Invitae Variant Classification Sherloc (09022015). Collection method: clinical testing. Allele origin: germline.
Comment: This variant has not been reported in the literature in individuals affected with TCF4-related conditions. This variant is not present in population databases (gnomAD no frequency). This sequence change replaces proline, which is neutral and non-polar, with leucine, which is neutral and non-polar, at codon 37 of the TCF4 protein (p.Pro37Leu). In summary, the available evidence is currently insufficient to determine the role of this variant in disease. Therefore, it has been classified as a Variant of Uncertain Significance. Algorithms developed to predict the effect of missense changes on protein structure and function are either unavailable or do not agree on the potential impact of this missense change (SIFT: "Tolerated"; PolyPhen-2: "Probably Damaging"; Align-GVGD: "Class C0").

NM_001083962.2(TCF4):c.110C>T (p.Pro37Leu)

Gene: TCF4 (transcription factor 4; minus strand). Cytogenetic location: 18q21.2.
Variant type: single nucleotide variant.
Coding change: c.110C>T on transcript NM_001083962.2 (MANE Select); coding-DNA position 110, C replaced by T.
Protein change: p.Pro37Leu; replaces proline 37 with leucine.
Molecular consequence: missense variant.
Genome position (GRCh38, 1-based): chr18:55,585,315, G>A on the plus strand (C>T on the coding strand, the complement: TCF4 is on the minus strand). VCF-style: chr18-55585315-G-A. GRCh37 (hg19) VCF-style: chr18-53252546-G-A.
Other names: c.416C>T, p.Pro139Leu (NM_001243226.3); c.38C>T, p.Pro13Leu (NM_001243227.2, NM_001306207.1, NM_001348217.1 and 15 more transcripts); c.110C>T, p.Pro37Leu (NM_001243228.2, NM_001330604.3, NM_001369567.1 and 8 more transcripts); c.104C>T, p.Pro35Leu (NM_001243230.2); short protein forms P13L, P37L, P139L, P35L.
Identifiers: ClinVar variation 1966804 (VCV001966804.5), dbSNP rs2511886222, ClinGen allele CA402704073.